The following is an entry in ClinVar:

NM_000064.4(C3):c.2363C>T (p.Thr788Met)

Gene: C3 (complement C3; minus strand). Cytogenetic location: 19p13.3.
Variant type: single nucleotide variant.
Coding change: c.2363C>T on transcript NM_000064.4 (MANE Select); coding-DNA position 2363, C replaced by T.
Protein change: p.Thr788Met; replaces threonine 788 with methionine.
Molecular consequence: missense variant.
Genome position (GRCh38, 1-based): chr19:6,702,204, G>A on the plus strand (C>T on the coding strand, the complement: C3 is on the minus strand). VCF-style: chr19-6702204-G-A. GRCh37 (hg19) VCF-style: chr19-6702215-G-A.
Other names: short protein forms T788M.
Identifiers: ClinVar variation 1472578 (VCV001472578.8), dbSNP rs377113526, ClinGen allele CA9129096.

ClinVar aggregate classification (germline): Uncertain significance (1 of 4 stars; one submission).

Allele frequency attached by ClinVar (database versions not stated): gnomAD 0.00001 and 0.00002; gnomAD exomes 0.00002; TOPMed 0.00002; ExAC 0.00003; ESP Exome Variant Server 0.00008.
gnomAD v4.1: 38 of 1,593,708 alleles (0.0024%); highest among the groups gnomAD compares: South Asian, 0.0033%; no homozygotes.

Submission:

Labcorp Genetics (formerly Invitae), Labcorp
Classification: Uncertain significance. Last evaluated: 2026-01-14. Review status: criteria provided, single submitter. Criteria: Invitae Variant Classification Sherloc (09022015). Collection method: clinical testing. Allele origin: germline.
Comment: This sequence change replaces threonine, which is neutral and polar, with methionine, which is neutral and non-polar, at codon 788 of the C3 protein (p.Thr788Met). This variant is present in population databases (rs377113526, gnomAD 0.009%). This variant has not been reported in the literature in individuals affected with C3-related conditions. ClinVar contains an entry for this variant (Variation ID: 1472578). Invitae Evidence Modeling of protein sequence and biophysical properties (such as structural, functional, and spatial information, amino acid conservation, physicochemical variation, residue mobility, and thermodynamic stability) has been performed for this missense variant. However, the output from this modeling did not meet the statistical confidence thresholds required to predict the impact of this variant on C3 protein function. In summary, the available evidence is currently insufficient to determine the role of this variant in disease. Therefore, it has been classified as a Variant of Uncertain Significance.